The following is an entry in ClinVar:

ClinVar aggregate classification (germline): Uncertain significance (1 of 4 stars; one submission).

Conditions:
Hereditary spastic paraplegia 30. Identifiers: Orphanet 101010, MedGen C5235139, MONDO:0012476.
Neuropathy, hereditary sensory, type 2C. Also called: Hereditary sensory and autonomic neuropathy type IIC; KIF1A-Related HSAN2 (HSAN2C). Identifiers: Orphanet 970, MedGen C3280168, MONDO:0013634, OMIM 614213.
Intellectual disability, autosomal dominant 9 (NESCAVS). Also called: NESCAV SYNDROME; KIF1A-Related Neurodevelopmental Disorder. Identifiers: Orphanet 662367, MedGen C5393830, MONDO:0013656, OMIM 614255.

Allele frequency attached by ClinVar (database versions not stated): gnomAD 0.00001 and 0.00002; gnomAD exomes 0.00001 and 0.00002; TOPMed 0.00001; ExAC 0.00003; 1000 Genomes Project 30x 0.00016; 1000 Genomes Project 0.00020.
gnomAD v4.1: 20 of 1,613,276 alleles (0.0012%); highest among the groups gnomAD compares: South Asian, 0.0099%; no homozygotes.

Submission:

Labcorp Genetics (formerly Invitae), Labcorp
Classification: Uncertain significance for Hereditary spastic paraplegia 30; Neuropathy, hereditary sensory, type 2C; Intellectual disability, autosomal dominant 9. Last evaluated: 2025-12-01. Review status: criteria provided, single submitter. Criteria: Invitae Variant Classification Sherloc (09022015). Collection method: clinical testing. Allele origin: germline.
Comment: This sequence change replaces alanine, which is neutral and non-polar, with valine, which is neutral and non-polar, at codon 414 of the KIF1A protein (p.Ala414Val). This variant is present in population databases (rs549643552, gnomAD 0.006%). This variant has not been reported in the literature in individuals affected with KIF1A-related conditions. ClinVar contains an entry for this variant (Variation ID: 1514619). Invitae Evidence Modeling of protein sequence and biophysical properties (such as structural, functional, and spatial information, amino acid conservation, physicochemical variation, residue mobility, and thermodynamic stability) indicates that this missense variant is expected to disrupt KIF1A protein function with a positive predictive value of 95%. In summary, the available evidence is currently insufficient to determine the role of this variant in disease. Therefore, it has been classified as a Variant of Uncertain Significance.

NM_001244008.2(KIF1A):c.1268C>T (p.Ala423Val)

Gene: KIF1A (kinesin family member 1A; minus strand). Cytogenetic location: 2q37.3.
Variant type: single nucleotide variant.
Coding change: c.1268C>T on transcript NM_001244008.2 (MANE Select); coding-DNA position 1268, C replaced by T.
Protein change: p.Ala423Val; replaces alanine 423 with valine.
Molecular consequence: missense variant.
Genome position (GRCh38, 1-based): chr2:240,771,044, G>A on the plus strand (C>T on the coding strand, the complement: KIF1A is on the minus strand). VCF-style: chr2-240771044-G-A. GRCh37 (hg19) VCF-style: chr2-241710461-G-A.
Other names: c.1268C>T, p.Ala423Val (NM_001320705.2, NM_001330289.2, NM_001379638.1); c.1343C>T, p.Ala448Val (NM_001330290.2, NM_001379631.1, NM_001379634.1 and 2 more transcripts); c.1241C>T, p.Ala414Val (NM_001379632.1, NM_001379633.1, NM_001379636.1 and 10 more transcripts); c.1316C>T, p.Ala439Val (NM_001379637.1, NM_001379648.1); short protein forms A414V, A448V, A423V, A439V.
Identifiers: ClinVar variation 1514619 (VCV001514619.8), dbSNP rs549643552, ClinGen allele CA2208464.
Genomic context (GRCh38, chr2:240,771,044, plus strand): 5'-ATGGCCTCCTCGCTGCCCGGGGCAAACAAGATGCGCTCGTGGAGGCTGGACACGGAGGCC[G>A]CGCGGCTGGACAGGGCTGAGAGCGAGGATGAGGGGCTCATACCCACCAGGGCATTGGTCA-3'
Protein context (NP_001230937.1, residues 413-433): SSSLSALSSR[Ala423Val]ASVSSLHERI